The following is an entry in ClinVar:

NM_001270974.2(HYDIN):c.1126G>T (p.Glu376Ter)

Gene: HYDIN (HYDIN axonemal central pair apparatus protein; minus strand). Cytogenetic location: 16q22.2.
Variant type: single nucleotide variant.
Coding change: c.1126G>T on transcript NM_001270974.2 (MANE Select); coding-DNA position 1126, G replaced by T.
Protein change: p.Glu376Ter; replaces glutamic acid 376 with a stop codon.
Molecular consequence: nonsense.
Genome position (GRCh38, 1-based): chr16:71,129,741, C>A on the plus strand (G>T on the coding strand, the complement: HYDIN is on the minus strand). VCF-style: chr16-71129741-C-A. GRCh37 (hg19) VCF-style: chr16-71163644-C-A.
Other names: c.1207G>T, p.Glu403Ter (NM_001198542.1); c.1177G>T, p.Glu393Ter (NM_001198543.1); c.1126G>T, p.Glu376Ter (NM_017558.5); short protein forms E376*, E393*, E403*.
Identifiers: ClinVar variation 4875559 (VCV004875559.1).

ClinVar aggregate classification (germline): Likely pathogenic (1 of 4 stars; one submission).

Conditions:
Primary ciliary dyskinesia 5. Also called: CILIARY DYSKINESIA, PRIMARY, 5, WITHOUT SITUS INVERSUS. Identifiers: Orphanet 244, MedGen C1837615, MONDO:0012088, OMIM 608647.

Submission:

Center for Human Genetics and Genomic Medicine, Uniklinik Rwth Aachen
Classification: Likely pathogenic for Primary ciliary dyskinesia 5. Last evaluated: 2026-06-30. Review status: criteria provided, single submitter. Criteria: ACMG Guidelines, 2015. Collection method: clinical testing. Allele origin: germline. Inheritance: Autosomal recessive inheritance. Affected: yes. Observed: 1 variant allele, 1 homozygote.
Comment: Variant is found in homozygous state. The variant has not been reported in the literature or in the ClinVar database to date. It is currently absent from the general population database (gnomAD v4.1.1) (PM2_Supporting). The variant introduces a premature stop codon. This typically results either in premature termination of translation or in so-called nonsense-mediated mRNA decay. In both cases, this leads to a loss of protein function (“loss of function”). Loss of function has been described as a pathogenic mechanism for the HYDIN gene.